The following is an entry in ClinVar:

NM_002691.4(POLD1):c.745G>A (p.Asp249Asn)

Gene: POLD1 (DNA polymerase delta 1, catalytic subunit; plus strand). Cytogenetic location: 19q13.33.
Variant type: single nucleotide variant.
Coding change: c.745G>A on transcript NM_002691.4 (MANE Select); coding-DNA position 745, G replaced by A.
Protein change: p.Asp249Asn; replaces aspartic acid 249 with asparagine.
Molecular consequence: missense variant. On other transcripts: non-coding transcript variant (1).
Genome position (GRCh38, 1-based): chr19:50,402,360, G>A. VCF-style: chr19-50402360-G-A. GRCh37 (hg19) VCF-style: chr19-50905617-G-A.
Other names: c.745G>A, p.Asp249Asn (NM_001256849.1, NM_001308632.1); short protein forms D249N.
Identifiers: ClinVar variation 939918 (VCV000939918.16), dbSNP rs1007807839, ClinGen allele CA309599624.
Genomic context (GRCh38, chr19:50,402,360, plus strand): 5'-CAGGGCATCCGTGTGGCAGGCCTGGGCACGCCCAGCTTCGCGCCCTACGAGGCCAACGTC[G>A]ACTTTGAGATCCGGTACGGCCTCTGCCTCACTTCTCCGGCCTCTATCCCCACCCTCGGGC-3'
Protein context (NP_002682.2, residues 239-259): PSFAPYEANV[Asp249Asn]FEIRFMVDTD

ClinVar aggregate classification (germline): Uncertain significance. Review status: criteria provided, multiple submitters, no conflicts (2 of 4 stars). 3 submissions from 3 submitters: Uncertain significance (3). Last evaluated 2025-08-20.

Conditions:
Hereditary cancer-predisposing syndrome. Also called: Hereditary neoplastic syndrome; Tumor predisposition; Neoplastic Syndromes, Hereditary; Hereditary Cancer Syndrome. Identifiers: Orphanet 140162, MedGen C0027672, MeSH D009386, MONDO:0015356.
POLD1-related polyposis and colorectal cancer syndrome (CRCS10). Also called: Colorectal cancer 10; COLORECTAL CANCER, SUSCEPTIBILITY TO, ON CHROMOSOME 19q; Colorectal cancer, susceptibility to, 10. Identifiers: Orphanet 220460, MedGen C2675481, MONDO:0012953, OMIM 612591.

Allele frequency attached by ClinVar (database versions not stated): gnomAD exomes below 0.00001; TOPMed below 0.00001; gnomAD 0.00001.
gnomAD v4.1: 6 of 1,611,072 alleles (0.00037%); highest among the groups gnomAD compares: African/African-American, 0.0013%; no homozygotes.

Submissions (3):

Ambry Genetics
Classification: Uncertain significance for Hereditary cancer-predisposing syndrome. Last evaluated: 2025-08-20. Review status: criteria provided, single submitter. Criteria: Ambry Variant Classification Scheme 2023. Collection method: clinical testing. Allele origin: germline.

Labcorp Genetics (formerly Invitae), Labcorp
Classification: Uncertain significance for POLD1-related polyposis and colorectal cancer syndrome. Last evaluated: 2024-08-08. Review status: criteria provided, single submitter. Criteria: Invitae Variant Classification Sherloc (09022015). Collection method: clinical testing. Allele origin: germline.
Comment: This sequence change replaces aspartic acid, which is acidic and polar, with asparagine, which is neutral and polar, at codon 249 of the POLD1 protein (p.Asp249Asn). This variant is not present in population databases (gnomAD no frequency). This variant has not been reported in the literature in individuals affected with POLD1-related conditions. ClinVar contains an entry for this variant (Variation ID: 939918). Advanced modeling of protein sequence and biophysical properties (such as structural, functional, and spatial information, amino acid conservation, physicochemical variation, residue mobility, and thermodynamic stability) performed at Invitae indicates that this missense variant is not expected to disrupt POLD1 protein function with a negative predictive value of 80%. In summary, the available evidence is currently insufficient to determine the role of this variant in disease. Therefore, it has been classified as a Variant of Uncertain Significance.

St. Jude Molecular Pathology, St. Jude Children's Research Hospital
Classification: Uncertain significance for POLD1-related polyposis and colorectal cancer syndrome. Last evaluated: 2021-07-29. Review status: criteria provided, single submitter. Criteria: St. Jude Assertion Criteria 2020. Collection method: clinical testing. Allele origin: germline.
Comment: The POLD1 c.745G>A (p.Asp249Asn) missense change is absent in gnomAD v2.1.1 (PM2_supporting). Five of seven in silico tools predict a benign effect of this variant on protein function (BP4), but to our knowledge these predictions have not been confirmed by functional assays. To our knowledge, this variant has not been reported in the literature in individuals with POLD1-related disease. In summary, this variant meets criteria to be classified as of uncertain significance based on the ACMG/AMP criteria: PM2_supporting, BP4.